The following is an entry in ClinVar:

NM_001042492.3(NF1):c.3027del (p.Gln1010fs)

Gene: NF1 (neurofibromin 1; plus strand). Cytogenetic location: 17q11.2.
Variant type: Deletion.
Coding change: c.3027del on transcript NM_001042492.3 (MANE Select); coding-DNA position 3027, one base deleted (T; older notation c.3027delT).
Protein change: p.Gln1010fs; shifts the reading frame from glutamine 1010.
Molecular consequence: frameshift variant.
Genome position (GRCh38, 1-based): chr17:31,230,296, T deleted; the last of 2 consecutive T bases (chr17:31,230,295-31,230,296); deleting either gives the same sequence. VCF-style (leftmost placement, unchanged base first): chr17-31230294-AT-A. GRCh37 (hg19) VCF-style: chr17-29557312-AT-A.
Other names: c.3027delT, p.Gln1010Lysfs (NM_000267.4, NM_001042492.2); short protein forms Q1010fs.
Identifiers: ClinVar variation 431614 (VCV000431614.2), dbSNP rs1135402837, ClinGen allele CA645373121.

ClinVar aggregate classification (germline): Pathogenic. Review status: criteria provided, single submitter (1 of 4 stars). 2 submissions from 2 submitters: Pathogenic (1). 1 of the submissions does not count toward it. Last evaluated 2026-03-27.

Conditions:
Neurofibromatosis, type 1 (NF1). Also called: Peripheral type neurofibromatosis; NEUROFIBROMATOSIS, TYPE I, SOMATIC; VON RECKLINGHAUSEN DISEASE; Neurofibromatosis, type I. Identifiers: Orphanet 636, MedGen C0027831, MONDO:0018975, OMIM 162200. Disease mechanism: loss of function.

Submissions (2):

Myriad Genetics, Inc.
Classification: Pathogenic for Neurofibromatosis, type 1. Last evaluated: 2026-03-27. Review status: criteria provided, single submitter. Criteria: Myriad Autosomal Dominant, Autosomal Recessive and X-Linked Classification Criteria (2023). Collection method: clinical testing. Allele origin: unknown.
Comment: This variant is considered pathogenic. This variant creates a frameshift predicted to result in premature protein truncation.

Medical Genetics, University of Parma
Classification: Pathogenic for Neurofibromatosis type 1. Last evaluated: 2017-02-02. Review status: no assertion criteria provided. Collection method: clinical testing. Allele origin: germline. Affected: yes. Not counted in ClinVar's aggregate classification.